The following is an entry in ClinVar:

NM_005618.4(DLL1):c.755G>A (p.Arg252Gln)

Gene: DLL1 (delta like canonical Notch ligand 1; minus strand). Cytogenetic location: 6q27.
Variant type: single nucleotide variant.
Coding change: c.755G>A on transcript NM_005618.4 (MANE Select); coding-DNA position 755, G replaced by A.
Protein change: p.Arg252Gln; replaces arginine 252 with glutamine.
Molecular consequence: missense variant.
Genome position (GRCh38, 1-based): chr6:170,285,676, C>T on the plus strand (G>A on the coding strand, the complement: DLL1 is on the minus strand). VCF-style: chr6-170285676-C-T. GRCh37 (hg19) VCF-style: chr6-170594764-C-T.
Other names: c.755G>A (NM_005618.3); short protein forms R252Q.
Identifiers: ClinVar variation 2144395 (VCV002144395.6), dbSNP rs965154860, ClinGen allele CA152192630.

ClinVar aggregate classification (germline): Uncertain significance. Review status: criteria provided, multiple submitters, no conflicts (2 of 4 stars). 2 submissions from 2 submitters: Uncertain significance (2). Last evaluated 2025-11-19.

Conditions:
Inborn genetic diseases. Identifiers: MedGen C0950123, MeSH D030342.

Allele frequency attached by ClinVar (database versions not stated): TOPMed 0.00002; gnomAD 0.00003.
gnomAD v4.1: 79 of 1,613,984 alleles (0.0049%); highest among the groups gnomAD compares: Non-Finnish European, 0.0061%; no homozygotes.

Submissions (2):

Ambry Genetics
Classification: Uncertain significance for Inborn genetic diseases. Last evaluated: 2025-11-19. Review status: criteria provided, single submitter. Criteria: Ambry Variant Classification Scheme 2023. Collection method: clinical testing. Allele origin: germline.

Labcorp Genetics (formerly Invitae), Labcorp
Classification: Uncertain significance. Last evaluated: 2023-12-06. Review status: criteria provided, single submitter. Criteria: Invitae Variant Classification Sherloc (09022015). Collection method: clinical testing. Allele origin: germline.
Comment: This sequence change replaces arginine, which is basic and polar, with glutamine, which is neutral and polar, at codon 252 of the DLL1 protein (p.Arg252Gln). This variant is present in population databases (no rsID available, gnomAD 0.003%). This variant has not been reported in the literature in individuals affected with DLL1-related conditions. ClinVar contains an entry for this variant (Variation ID: 2144395). An algorithm developed to predict the effect of missense changes on protein structure and function (PolyPhen-2) suggests that this variant is likely to be disruptive. In summary, the available evidence is currently insufficient to determine the role of this variant in disease. Therefore, it has been classified as a Variant of Uncertain Significance.